The following is an entry in ClinVar:

NM_006348.5(COG5):c.2023C>T (p.Arg675Cys)

Gene: COG5 (component of oligomeric golgi complex 5; minus strand). Cytogenetic location: 7q22.3.
Variant type: single nucleotide variant.
Coding change: c.2023C>T on transcript NM_006348.5 (MANE Select); coding-DNA position 2023, C replaced by T.
Protein change: p.Arg675Cys; replaces arginine 675 with cysteine.
Molecular consequence: missense variant. On other transcripts: intron variant (1).
Genome position (GRCh38, 1-based): chr7:107,236,518, G>A on the plus strand (C>T on the coding strand, the complement: COG5 is on the minus strand). VCF-style: chr7-107236518-G-A. GRCh37 (hg19) VCF-style: chr7-106876963-G-A.
Other names: c.2023C>T, p.Arg675Cys (NM_001161520.2, NM_001379513.1); c.1861C>T, p.Arg621Cys (NM_001379511.1); c.1849C>T, p.Arg617Cys (NM_001379512.1); c.1453C>T, p.Arg485Cys (NM_001379515.1); c.1309C>T, p.Arg437Cys (NM_001379516.1); c.1960C>T, p.Arg654Cys (NM_181733.4); c.1853+11878C>T (NM_001379514.1); short protein forms R706C, R654C, R485C, R437C, R621C, R675C, R617C.
Identifiers: ClinVar variation 358454 (VCV000358454.14), dbSNP rs149517266, ClinGen allele CA4430724.

ClinVar aggregate classification (germline): Uncertain significance. Review status: criteria provided, multiple submitters, no conflicts (2 of 4 stars). 4 submissions from 4 submitters: Uncertain significance (4). Last evaluated 2025-06-14.

Conditions:
Inborn genetic diseases. Identifiers: MedGen C0950123, MeSH D030342.
COG5-congenital disorder of glycosylation. Also called: CONGENITAL DISORDER OF GLYCOSYLATION, TYPE IIi; CDG IIi; COG5-CDG. Identifiers: Orphanet 263487, MedGen C3150876, MONDO:0013325, OMIM 613612.

Allele frequency attached by ClinVar (database versions not stated): TOPMed 0.00032; ExAC 0.00034; gnomAD 0.00036; gnomAD exomes 0.00036 and 0.00048; ESP Exome Variant Server 0.00054.
gnomAD v4.1: 736 of 1,614,098 alleles (0.046%); highest among the groups gnomAD compares: Non-Finnish European, 0.058%; 1 homozygote.

Submissions (4):

GeneDx
Classification: Uncertain significance. Last evaluated: 2025-06-14. Review status: criteria provided, single submitter. Criteria: GeneDx Variant Classification Process June 2021. Collection method: clinical testing. Allele origin: germline. Affected: yes.
Comment: In silico analysis supports that this missense variant has a deleterious effect on protein structure/function; Has not been previously published as pathogenic or benign to our knowledge

Labcorp Genetics (formerly Invitae), Labcorp
Classification: Uncertain significance for COG5-congenital disorder of glycosylation. Last evaluated: 2025-01-13. Review status: criteria provided, single submitter. Criteria: Invitae Variant Classification Sherloc (09022015). Collection method: clinical testing. Allele origin: germline.
Comment: This sequence change replaces arginine, which is basic and polar, with cysteine, which is neutral and slightly polar, at codon 706 of the COG5 protein (p.Arg706Cys). This variant is present in population databases (rs149517266, gnomAD 0.06%). This variant has not been reported in the literature in individuals affected with COG5-related conditions. ClinVar contains an entry for this variant (Variation ID: 358454). Invitae Evidence Modeling of protein sequence and biophysical properties (such as structural, functional, and spatial information, amino acid conservation, physicochemical variation, residue mobility, and thermodynamic stability) indicates that this missense variant is not expected to disrupt COG5 protein function with a negative predictive value of 80%. In summary, the available evidence is currently insufficient to determine the role of this variant in disease. Therefore, it has been classified as a Variant of Uncertain Significance.

Ambry Genetics
Classification: Uncertain significance for Inborn genetic diseases. Last evaluated: 2021-09-13. Review status: criteria provided, single submitter. Criteria: Ambry Variant Classification Scheme 2023. Collection method: clinical testing. Allele origin: germline.

Illumina Laboratory Services, Illumina
Classification: Uncertain significance for COG5-congenital disorder of glycosylation. Last evaluated: 2018-01-12. Review status: criteria provided, single submitter. Criteria: ICSL Variant Classification Criteria 13 December 2019. Collection method: clinical testing. Allele origin: germline.